The following is an entry in ClinVar:

ClinVar aggregate classification (germline): Benign/Likely benign. Review status: criteria provided, multiple submitters, no conflicts (2 of 4 stars). 6 submissions from 6 submitters: Benign (4); Likely benign (1). 1 of the submissions does not count toward it. Last evaluated 2026-09-01.

Conditions:
DNAH9-related disorder. Also called: DNAH9-related condition.

Submissions (6):

CeGaT Center for Human Genetics Tuebingen
Classification: Benign. Last evaluated: 2026-09-01. Review status: criteria provided, single submitter. Criteria: CeGaT Center For Human Genetics Tuebingen Variant Classification Criteria Version 2. Collection method: clinical testing. Allele origin: germline. Affected: yes. Observed: 11 variant alleles.
Comment: DNAH9: BS1, BS2

Labcorp Genetics (formerly Invitae), Labcorp
Classification: Benign. Last evaluated: 2026-02-02. Review status: criteria provided, single submitter. Criteria: Invitae Variant Classification Sherloc (09022015). Collection method: clinical testing. Allele origin: germline.

Blueprint Genetics
Classification: Likely benign. Last evaluated: 2024-11-26. Review status: criteria provided, single submitter. Criteria: ACMG Guidelines, 2015. Collection method: clinical testing. Allele origin: germline.

Mayo Clinic Laboratories, Mayo Clinic
Classification: Benign. Last evaluated: 2024-04-24. Review status: criteria provided, single submitter. Criteria: ACMG Guidelines, 2015. Collection method: clinical testing. Allele origin: germline. Observed: 11 variant alleles.
Comment: BS1, BS2

GeneDx
Classification: Benign. Last evaluated: 2020-12-19. Review status: criteria provided, single submitter. Criteria: GeneDx Variant Classification Process June 2021. Collection method: clinical testing. Allele origin: germline. Affected: yes.

PreventionGenetics, part of Exact Sciences
Classification: Likely benign for DNAH9-related condition. Last evaluated: 2020-11-24. Review status: no assertion criteria provided. Collection method: clinical testing. Allele origin: germline. Not counted in ClinVar's aggregate classification.
Comment: This variant is classified as likely benign based on ACMG/AMP sequence variant interpretation guidelines (Richards et al. 2015 PMID: 25741868, with internal and published modifications).

NM_001372.4(DNAH9):c.44_68dup (p.Arg24fs)

Gene: DNAH9 (dynein axonemal heavy chain 9; plus strand). Cytogenetic location: 17p12.
Variant type: Duplication.
Coding change: c.44_68dup on transcript NM_001372.4 (MANE Select); coding-DNA positions 44 to 68, 25 bases duplicated (CGGATGGGGAACCCGGCGCCGACCG).
Protein change: p.Arg24fs; shifts the reading frame from arginine 24.
Molecular consequence: frameshift variant.
Genome position (GRCh38, 1-based): chr17:11,598,542-11,598,566, CGGATGGGGAACCCGGCGCCGACCG duplicated; duplicating any 25 consecutive bases within chr17:11,598,540-11,598,566 gives the same sequence; the c. name uses the placement nearest the transcript's 3' end. VCF-style (leftmost placement, unchanged base first): chr17-11598539-A-ACGCGGATGGGGAACCCGGCGCCGAC. GRCh37 (hg19) VCF-style: chr17-11501856-A-ACGCGGATGGGGAACCCGGCGCCGAC.
Other names: p.Arg24Glyfs*36; c.44_68dup25 (NM_001372.3); short protein forms R24fs.
Identifiers: ClinVar variation 774512 (VCV000774512.17), dbSNP rs761517350, ClinGen allele CA8394450.
Genomic context (GRCh38, chr17:11,598,539, plus strand): 5'-GCAGCTGGAGGCCGCGCGCGATGCGGCTCGCGGAGGAGCGGGCCGCGCTCGCGGCGGAGA[A>ACGCGGATGGGGAACCCGGCGCCGAC]CGCGGATGGGGAACCCGGCGCCGACCGACGACTGCGACTCCTGGGGACCTACGTGGCCAT-3'